The following is an entry in ClinVar:

NM_000321.3(RB1):c.2325+5G>C

Gene: RB1 (RB transcriptional corepressor 1; plus strand). Cytogenetic location: 13q14.2.
Variant type: single nucleotide variant.
Coding change: c.2325+5G>C on transcript NM_000321.3 (MANE Select); 5 bases into the intron after coding-DNA position 2325, G replaced by C.
Molecular consequence: intron variant.
Genome position (GRCh38, 1-based): chr13:48,465,116, G>C. VCF-style: chr13-48465116-G-C. GRCh37 (hg19) VCF-style: chr13-49039252-G-C.
Other names: c.2325+5G>C (NM_001407165.1).
Identifiers: ClinVar variation 2736035 (VCV002736035.3), dbSNP rs886042249, ClinGen allele CA2695218639.

ClinVar aggregate classification (germline): Likely pathogenic (1 of 4 stars; one submission).

Conditions:
Retinoblastoma (RB1). Also called: RETINOBLASTOMA, SOMATIC. Identifiers: Orphanet 790, MedGen C0035335, MeSH D012175, MONDO:0008380, OMIM 180200, HP:0009919. Disease mechanism: loss of function. Inheritance: Both sporadic and heritable forms are tested..

Submission:

Labcorp Genetics (formerly Invitae), Labcorp
Classification: Likely pathogenic for Retinoblastoma. Last evaluated: 2024-02-18. Review status: criteria provided, single submitter. Criteria: Invitae Variant Classification Sherloc (09022015). Collection method: clinical testing. Allele origin: germline.
Comment: This sequence change falls in intron 22 of the RB1 gene. It does not directly change the encoded amino acid sequence of the RB1 protein. It affects a nucleotide within the consensus splice site. This variant is not present in population databases (gnomAD no frequency). This variant has been observed in individual(s) with retinoblastoma (PMID: 20090211). This variant is also known as IVS 22+5 g.162115G>C. Variants that disrupt the consensus splice site are a relatively common cause of aberrant splicing (PMID: 17576681, 9536098). Algorithms developed to predict the effect of sequence changes on RNA splicing suggest that this variant may disrupt the consensus splice site. This variant disrupts the c.2325+5G nucleotide in the RB1 gene. Other variant(s) that disrupt this nucleotide have been determined to be pathogenic (PMID: 1662795, 16269091, 24225018). This suggests that this nucleotide is clinically significant, and that variants that disrupt this position are likely to be disease-causing. In summary, the currently available evidence indicates that the variant is pathogenic, but additional data are needed to prove that conclusively. Therefore, this variant has been classified as Likely Pathogenic.

Literature cited by the submitters: PubMed 20090211; PubMed 17576681; PubMed 9536098; PubMed 1662795; PubMed 16269091; PubMed 24225018.